The following is an entry in ClinVar:

NM_033380.3(COL4A5):c.3782G>A (p.Gly1261Glu)

Gene: COL4A5 (collagen type IV alpha 5 chain; plus strand). Cytogenetic location: Xq22.3.
Variant type: single nucleotide variant.
Coding change: c.3782G>A on transcript NM_033380.3 (MANE Select); coding-DNA position 3782, G replaced by A.
Protein change: p.Gly1261Glu; replaces glycine 1261 with glutamic acid.
Molecular consequence: missense variant.
Genome position (GRCh38, 1-based): chrX:108,668,496, G>A. VCF-style: chrX-108668496-G-A. GRCh37 (hg19) VCF-style: chrX-107911726-G-A.
Other names: c.3782G>A, p.Gly1261Glu (NM_000495.5); short protein forms G1261E.
Identifiers: ClinVar variation 1458106 (VCV001458106.5), dbSNP rs104886264, ClinGen allele CA258955.

ClinVar aggregate classification (germline): Pathogenic (1 of 4 stars; one submission).

Submission:

Labcorp Genetics (formerly Invitae), Labcorp
Classification: Pathogenic. Last evaluated: 2025-06-26. Review status: criteria provided, single submitter. Criteria: Invitae Variant Classification Sherloc (09022015). Collection method: clinical testing. Allele origin: germline.
Comment: This sequence change replaces glycine, which is neutral and non-polar, with glutamic acid, which is acidic and polar, at codon 1261 of the COL4A5 protein (p.Gly1261Glu). This variant is not present in population databases (gnomAD no frequency). This missense change has been observed in individuals with clinical features of Alport syndrome (PMID: 9848783; internal data). ClinVar contains an entry for this variant (Variation ID: 1458106). Invitae Evidence Modeling of protein sequence and biophysical properties (such as structural, functional, and spatial information, amino acid conservation, physicochemical variation, residue mobility, and thermodynamic stability) indicates that this missense variant is expected to disrupt COL4A5 protein function with a positive predictive value of 95%. This variant disrupts the triple helix domain of COL4A5. Glycine residues within the Gly-Xaa-Yaa repeats of the triple helix domain are required for the structure and stability of fibrillar collagens (PMID: 7695699, 8218237, 19344236). In COL4A5, missense variants at these glycine residues are significantly enriched in individuals with disease (PMID: 23720012, 27627812) compared to the general population (ExAC). This variant disrupts the p.Gly1261 amino acid residue in COL4A5. Other variant(s) that disrupt this residue have been observed in individuals with COL4A5-related conditions (PMID: 28356090), which suggests that this may be a clinically significant amino acid residue. For these reasons, this variant has been classified as Pathogenic.

Literature cited by the submitters: PubMed 9848783; PubMed 7695699; PubMed 8218237; PubMed 19344236; PubMed 23720012; PubMed 27627812; PubMed 28356090.